The following is an entry in ClinVar:

NM_000388.4(CASR):c.573G>T (p.Glu191Asp)

Gene: CASR (calcium sensing receptor; plus strand). Cytogenetic location: 3q21.1.
Variant type: single nucleotide variant.
Coding change: c.573G>T on transcript NM_000388.4 (MANE Select); coding-DNA position 573, G replaced by T.
Protein change: p.Glu191Asp; replaces glutamic acid 191 with aspartic acid.
Molecular consequence: missense variant.
Genome position (GRCh38, 1-based): chr3:122,261,608, G>T. VCF-style: chr3-122261608-G-T. GRCh37 (hg19) VCF-style: chr3-121980455-G-T.
Other names: c.573G>T, p.Glu191Asp (NM_001178065.2); short protein forms E191D.
Identifiers: ClinVar variation 5002728 (VCV005002728.1).

ClinVar aggregate classification (germline): Likely pathogenic (1 of 4 stars; one submission).

Conditions:
Epilepsy, idiopathic generalized, susceptibility to, 8. Identifiers: MedGen C2752062, MONDO:0013032, OMIM 612899.

Submission:

OLLIN Analises Genomicas, OLLIN
Classification: Likely pathogenic for Epilepsy, idiopathic generalized, susceptibility to, 8. Last evaluated: 2026-08-06. Review status: criteria provided, single submitter. Criteria: ACMG Guidelines 2015 PMID 25741868. Collection method: clinical testing. Allele origin: germline. Inheritance: Autosomal dominant inheritance.
Comment: This missense variant, located in exon 4 (of 7), is absent from gnomAD and ClinVar but has been reported in the scientific literature in individuals with CASR related disorders (PMID: 8813042). In silico analysis is inconclusive regarding the impact of this variant. This variant is located in a region considered to be a mutational hotspot. Another pathogenic variant affecting the same amino acid residue has been reported (PMID: 8813042). This gene is constrained for missense variation. According to the currently available evidence, this variant has been classified as likely pathogenic (PM1, PM2_P, PM5, PP2).

Literature cited by the submitters: PubMed 8813042.